The following is an entry in ClinVar:

NM_014049.5(ACAD9):c.1259G>A (p.Arg420His)

Gene: ACAD9 (acyl-CoA dehydrogenase family member 9; plus strand). Cytogenetic location: 3q21.3.
Variant type: single nucleotide variant.
Coding change: c.1259G>A on transcript NM_014049.5 (MANE Select); coding-DNA position 1259, G replaced by A.
Protein change: p.Arg420His; replaces arginine 420 with histidine.
Molecular consequence: missense variant. On other transcripts: non-coding transcript variant (1).
Genome position (GRCh38, 1-based): chr3:128,906,230, G>A. VCF-style: chr3-128906230-G-A. GRCh37 (hg19) VCF-style: chr3-128625073-G-A.
Other names: c.890G>A, p.Arg297His (NM_001410805.1); c.1259G>A (NM_014049.4); short protein forms R297H, R420H.
Identifiers: ClinVar variation 2044529 (VCV002044529.3), dbSNP rs768960254, ClinGen allele CA2601446.
Genomic context (GRCh38, chr3:128,906,230, plus strand): 5'-TCCTCGGGGGCTTGGGCTACACAAGGGACTATCCGTACGAGCGCATACTGCGTGACACCC[G>A]CATCCTCCTCATCTTCGAGGTGAGTGGCCCCGCCACCAGCTAAGCTGTGCTCCACCCCCA-3'
Protein context (NP_054768.2, residues 410-430): YPYERILRDT[Arg420His]ILLIFEGTNE

ClinVar aggregate classification (germline): Uncertain significance. Review status: criteria provided, multiple submitters, no conflicts (2 of 4 stars). 2 submissions from 2 submitters: Uncertain significance (2). Last evaluated 2023-05-23.

Conditions:
Inborn genetic diseases. Identifiers: MedGen C0950123, MeSH D030342.

Allele frequency attached by ClinVar (database versions not stated): gnomAD 0.00003; TOPMed 0.00003.
gnomAD v4.1: 136 of 1,614,004 alleles (0.0084%); highest among the groups gnomAD compares: South Asian, 0.03%; no homozygotes.

Submissions (2):

Ambry Genetics
Classification: Uncertain significance for Inborn genetic diseases. Last evaluated: 2023-05-23. Review status: criteria provided, single submitter. Criteria: Ambry Variant Classification Scheme 2023. Collection method: clinical testing. Allele origin: germline.

Labcorp Genetics (formerly Invitae), Labcorp
Classification: Uncertain significance. Last evaluated: 2022-07-27. Review status: criteria provided, single submitter. Criteria: Invitae Variant Classification Sherloc (09022015). Collection method: clinical testing. Allele origin: germline.
Comment: This sequence change replaces arginine, which is basic and polar, with histidine, which is basic and polar, at codon 420 of the ACAD9 protein (p.Arg420His). This variant is present in population databases (rs768960254, gnomAD 0.03%). This variant has not been reported in the literature in individuals affected with ACAD9-related conditions. Advanced modeling of protein sequence and biophysical properties (such as structural, functional, and spatial information, amino acid conservation, physicochemical variation, residue mobility, and thermodynamic stability) performed at Invitae indicates that this missense variant is expected to disrupt ACAD9 protein function. In summary, the available evidence is currently insufficient to determine the role of this variant in disease. Therefore, it has been classified as a Variant of Uncertain Significance.